The following is an entry in ClinVar:

ClinVar aggregate classification (germline): Pathogenic (1 of 4 stars; one submission).

Conditions:
Gorlin syndrome. Also called: Nevoid Basal Cell Carcinoma Syndrome; Basal cell nevus syndrome. Identifiers: Orphanet 377, MedGen C0004779, MONDO:0007187.

Submission:

Labcorp Genetics (formerly Invitae), Labcorp
Classification: Pathogenic for Gorlin syndrome. Last evaluated: 2024-09-03. Review status: criteria provided, single submitter. Criteria: Invitae Variant Classification Sherloc (09022015). Collection method: clinical testing. Allele origin: germline.
Comment: This sequence change creates a premature translational stop signal (p.Leu254Phefs*31) in the PTCH1 gene. It is expected to result in an absent or disrupted protein product. Loss-of-function variants in PTCH1 are known to be pathogenic (PMID: 16301862, 16419085). This variant is not present in population databases (gnomAD no frequency). This variant has not been reported in the literature in individuals affected with PTCH1-related conditions. For these reasons, this variant has been classified as Pathogenic.

Literature cited by the submitters: PubMed 16301862; PubMed 16419085.

NM_000264.5(PTCH1):c.761dup (p.Leu254fs)

Gene: PTCH1 (patched 1; minus strand). Cytogenetic location: 9q22.32.
Variant type: Duplication.
Coding change: c.761dup on transcript NM_000264.5 (MANE Select); coding-DNA position 761, one base duplicated (T; older notation c.761dupT).
Protein change: p.Leu254fs; shifts the reading frame from leucine 254.
Molecular consequence: frameshift variant. On other transcripts: non-coding transcript variant (1).
Genome position (GRCh38, 1-based): chr9:95,480,574, A duplicated on the plus strand (T on the coding strand, the reverse complement: PTCH1 is on the minus strand); the first of 3 consecutive A bases (chr9:95,480,574-95,480,576); duplicating any one gives the same sequence. VCF-style (leftmost placement, unchanged base first): chr9-95480573-C-CA. GRCh37 (hg19) VCF-style: chr9-98242855-C-CA.
Other names: c.563dup, p.Leu188fs (NM_001083602.3); c.758dup, p.Leu253fs (NM_001083603.3); c.308dup, p.Leu103fs (NM_001083604.3, NM_001083605.3, NM_001083606.3 and 1 more transcripts); c.761dup, p.Leu254fs (NM_001354918.2); short protein forms L103fs, L253fs, L188fs, L254fs.
Identifiers: ClinVar variation 3664234 (VCV003664234.2).
Genomic context (GRCh38, chr9:95,480,573, plus strand): 5'-TTGATAGTTTATTTTCTTTAACTCTTCCAGGAATTCCAAAGGGTCGAAGTTTGTCCACCG[C>CA]AAAGGAGGTTTACCTCTGCAAAAGAAATTAGGAGACGAGACCATGAAAAGAGCCTTCTAA-3'